The following is an entry in ClinVar:

NM_001363711.2(DUOX2):c.3605T>C (p.Met1202Thr)

Gene: DUOX2 (dual oxidase 2; minus strand). Cytogenetic location: 15q21.1.
Variant type: single nucleotide variant.
Coding change: c.3605T>C on transcript NM_001363711.2 (MANE Select); coding-DNA position 3605, T replaced by C.
Protein change: p.Met1202Thr; replaces methionine 1202 with threonine.
Molecular consequence: missense variant.
Genome position (GRCh38, 1-based): chr15:45,097,702, A>G on the plus strand (T>C on the coding strand, the complement: DUOX2 is on the minus strand). VCF-style: chr15-45097702-A-G. GRCh37 (hg19) VCF-style: chr15-45389900-A-G.
Other names: c.3605T>C, p.Met1202Thr (NM_014080.5); short protein forms M1202T.
Identifiers: ClinVar variation 1973205 (VCV001973205.5), dbSNP rs1410103672, ClinGen allele CA392256306.

ClinVar aggregate classification (germline): Uncertain significance (1 of 4 stars; one submission).

Submission:

Labcorp Genetics (formerly Invitae), Labcorp
Classification: Uncertain significance. Last evaluated: 2025-05-12. Review status: criteria provided, single submitter. Criteria: Invitae Variant Classification Sherloc (09022015). Collection method: clinical testing. Allele origin: germline.
Comment: This sequence change replaces methionine, which is neutral and non-polar, with threonine, which is neutral and polar, at codon 1202 of the DUOX2 protein (p.Met1202Thr). This variant is not present in population databases (gnomAD no frequency). This variant has not been reported in the literature in individuals affected with DUOX2-related conditions. ClinVar contains an entry for this variant (Variation ID: 1973205). Invitae Evidence Modeling of protein sequence and biophysical properties (such as structural, functional, and spatial information, amino acid conservation, physicochemical variation, residue mobility, and thermodynamic stability) indicates that this missense variant is expected to disrupt DUOX2 protein function with a positive predictive value of 80%. In summary, the available evidence is currently insufficient to determine the role of this variant in disease. Therefore, it has been classified as a Variant of Uncertain Significance.